The following is an entry in ClinVar:

NM_001244008.2(KIF1A):c.3494T>C (p.Ile1165Thr)

Gene: KIF1A (kinesin family member 1A; minus strand). Cytogenetic location: 2q37.3.
Variant type: single nucleotide variant.
Coding change: c.3494T>C on transcript NM_001244008.2 (MANE Select); coding-DNA position 3494, T replaced by C.
Protein change: p.Ile1165Thr; replaces isoleucine 1165 with threonine.
Molecular consequence: missense variant.
Genome position (GRCh38, 1-based): chr2:240,744,032, A>G on the plus strand (T>C on the coding strand, the complement: KIF1A is on the minus strand). VCF-style: chr2-240744032-A-G. GRCh37 (hg19) VCF-style: chr2-241683449-A-G.
Other names: c.3191T>C (NM_004321.7); c.3218T>C, p.Ile1073Thr (NM_001320705.2, NM_001330289.2, NM_001379638.1); c.3293T>C, p.Ile1098Thr (NM_001330290.2, NM_001379634.1, NM_001379635.1 and 1 more transcripts); c.3569T>C, p.Ile1190Thr (NM_001379631.1); c.3443T>C, p.Ile1148Thr (NM_001379632.1); c.3467T>C, p.Ile1156Thr (NM_001379633.1, NM_001379642.1, NM_001379645.1); c.3191T>C, p.Ile1064Thr (NM_001379636.1, NM_001379639.1, NM_001379641.1 and 5 more transcripts); c.3266T>C, p.Ile1089Thr (NM_001379637.1, NM_001379648.1); and 1 more; short protein forms I1064T, I1165T, I1073T, I1098T, I1063T, I1089T, I1148T, I1156T.
Identifiers: ClinVar variation 234725 (VCV000234725.76), dbSNP rs35698242, ClinGen allele CA2207781.

ClinVar aggregate classification (germline): Conflicting classifications of pathogenicity. Review status: criteria provided, conflicting classifications (1 of 4 stars). 17 submissions from 16 submitters: Uncertain significance (10); Benign (1); Likely benign (3). 3 of the submissions do not count toward it. Last evaluated 2026-08-10.

Conditions:
Spastic paraplegia 30B, autosomal recessive. Identifiers: MedGen C5935571, MONDO:0971149, OMIM 620607.
Neuropathy, hereditary sensory, type 2C. Also called: KIF1A-Related HSAN2 (HSAN2C); Hereditary sensory and autonomic neuropathy type IIC. Identifiers: Orphanet 970, MedGen C3280168, MONDO:0013634, OMIM 614213.
Intellectual disability, autosomal dominant 9 (NESCAVS). Also called: KIF1A-Related Neurodevelopmental Disorder; NESCAV SYNDROME. Identifiers: Orphanet 662367, MedGen C5393830, MONDO:0013656, OMIM 614255.
Hereditary spastic paraplegia 30. Identifiers: Orphanet 101010, MedGen C5235139, MONDO:0012476.
KIF1A-related disorder. Also called: KIF1A-related disorders; KIF1A-related condition.
Neuropathy, hereditary sensory and autonomic, type 2A (HSAN2A). Also called: MORVAN DISEASE; NEUROPATHY, CONGENITAL SENSORY; NEUROPATHY, HEREDITARY SENSORY RADICULAR, AUTOSOMAL RECESSIVE; NEUROPATHY, HEREDITARY SENSORY, TYPE IIA; NEUROPATHY, PROGRESSIVE SENSORY, OF CHILDREN; WNK1-Related HSAN2 (HSAN2A). Identifiers: Orphanet 970, MedGen C2752089, MONDO:0024309, OMIM 201300.
Inborn genetic diseases. Identifiers: MedGen C0950123, MeSH D030342.
Hereditary spastic paraplegia. Also called: Familial spastic paraparesis. Identifiers: Orphanet 685, MedGen C0037773, MONDO:0019064. Disease mechanism: loss of function.

Allele frequency attached by ClinVar (database versions not stated): gnomAD exomes 0.00038; 1000 Genomes Project 0.00040; ExAC 0.00046; gnomAD 0.00057 and 0.00063; 1000 Genomes Project 30x 0.00062; TOPMed 0.00071; ESP Exome Variant Server 0.00103.
gnomAD v4.1: 1,090 of 1,613,694 alleles (0.068%); highest among the groups gnomAD compares: Non-Finnish European, 0.084%; 1 homozygote.

Submissions (17):

GeneDx
Classification: Uncertain significance. Last evaluated: 2026-08-10. Review status: criteria provided, single submitter. Criteria: GeneDx Variant Classification Process June 2021. Collection method: clinical testing. Allele origin: germline.
Comment: Reported previously as a variant of uncertain significance in a patient with TattonBrownRahman syndrome who had a different genetic etiology explaining the phenotype (PMID: 38041495); In silico analysis supports that this missense variant has a deleterious effect on protein structure/function; This variant is associated with the following publications: (PMID: 38041495)

Labcorp Genetics (formerly Invitae), Labcorp
Classification: Likely benign for Hereditary spastic paraplegia 30; Neuropathy, hereditary sensory, type 2C; Intellectual disability, autosomal dominant 9. Last evaluated: 2026-01-11. Review status: criteria provided, single submitter. Criteria: Invitae Variant Classification Sherloc (09022015). Collection method: clinical testing. Allele origin: germline.

Ambry Genetics
Classification: Uncertain significance for Inborn genetic diseases. Last evaluated: 2025-11-13. Review status: criteria provided, single submitter. Criteria: Ambry Variant Classification Scheme 2023. Collection method: clinical testing. Allele origin: germline.
Comment: The c.3191T>C (p.I1064T) alteration is located in exon 31 (coding exon 30) of the KIF1A gene. This alteration results from a T to C substitution at nucleotide position 3191, causing the isoleucine (I) at amino acid position 1064 to be replaced by a threonine (T). Based on data from gnomAD, the C allele has an overall frequency of 0.038% (107/280552) total alleles studied. The highest observed frequency was 0.066% (85/128376) of European (non-Finnish) alleles. Based on insufficient or conflicting evidence, the clinical significance of this alteration remains unclear.

PreventionGenetics, part of Exact Sciences
Classification: Likely benign for KIF1A-related condition. Last evaluated: 2024-11-05. Review status: criteria provided, single submitter. Criteria: ACMG Guidelines, 2015. Collection method: clinical testing. Allele origin: germline.
Comment: This variant is classified as likely benign based on ACMG/AMP sequence variant interpretation guidelines (Richards et al. 2015 PMID: 25741868, with internal and published modifications).

Blueprint Genetics
Classification: Uncertain significance. Last evaluated: 2024-10-14. Review status: criteria provided, single submitter. Criteria: ACMG Guidelines, 2015. Collection method: clinical testing. Allele origin: germline.

Fulgent Genetics
Classification: Uncertain significance for Spastic paraplegia 30A, autosomal dominant; Neuropathy, hereditary sensory, type 2C; Intellectual disability, autosomal dominant 9; Spastic paraplegia 30B, autosomal recessive. Last evaluated: 2024-02-20. Review status: criteria provided, single submitter. Criteria: ACMG Guidelines, 2015. Collection method: clinical testing. Allele origin: germline.

Victorian Clinical Genetics Services, Murdoch Childrens Research Institute
Classification: Likely benign for Spastic paraplegia 30A, autosomal dominant. Last evaluated: 2023-07-17. Review status: criteria provided, single submitter. Criteria: ACMG Guidelines, 2015. Collection method: clinical testing. Allele origin: germline. Affected: yes.
Comment: Based on the classification scheme VCGS_Germline_v1.3.4, this variant is classified as Likely benign. Following criteria are met: 0103 - Dominant negative, loss of function and gain of function are known mechanisms of disease in this gene. Variants with a dominant negative effect have been shown to cause NESCAV syndrome (MIM#614255; OMIM). Both loss and gain of function mechanisms have been reported for variants causing spastic paraplegia (MIM#610357) and hereditary sensory and autonomic neuropathy type 2 (HSAN2; MIM#614213) (PMID: 31488895, 31455732). (I) 0108 - This gene is associated with both recessive and dominant disease. Genotype-phenotype correlation is not currently established. Missense variants tend to cluster within the kinesin motor domain and have been reported for both SPG30 and NESCAV syndrome. (I) 0200 - This variant is predicted to result in a missense amino acid change from isoleucine to threonine. (I) 0251 - This variant is heterozygous. (I) 0304 - Variant is present in gnomAD <0.01 (v2; 107 heterozygotes, 0 homozygotes). (SP) 0502 - Missense variant with conflicting in silico predictions and uninformative conservation. (I) 0604 - Variant is not located in an established domain, motif, hotspot or informative constraint region. (I) 0705 - No comparable variants have previous evidence for pathogenicity. (I) 0808 - Previous reports of pathogenicity for this variant are conflicting. This variant has been classified as a VUS and likely benign in ClinVar. (I) 0905 - No published segregation evidence has been identified for this variant. (I) 1007 - No published functional evidence has been identified for this variant. (I) Legend: (SP) - Supporting pathogenic, (I) - Information, (SB) - Supporting benign

Mayo Clinic Laboratories, Mayo Clinic
Classification: Uncertain significance. Last evaluated: 2023-05-12. Review status: criteria provided, single submitter. Criteria: ACMG Guidelines, 2015. Collection method: clinical testing. Allele origin: germline. Observed: 4 variant alleles.
Comment: PP2

CeGaT Center for Human Genetics Tuebingen
Classification: Uncertain significance. Last evaluated: 2022-10-01. Review status: criteria provided, single submitter. Criteria: CeGaT Center For Human Genetics Tuebingen Variant Classification Criteria Version 2. Collection method: clinical testing. Allele origin: germline. Affected: yes. Observed: 1 variant allele.
Comment: KIF1A: PP2, BP4

Mendelics
Classification: Benign. Last evaluated: 2022-05-04. Review status: criteria provided, single submitter. Criteria: Mendelics Assertion Criteria 2019. Collection method: clinical testing. Allele origin: germline.

Revvity Omics, Revvity
Classification: Uncertain significance. Last evaluated: 2022-01-12. Review status: criteria provided, single submitter. Criteria: ACMG Guidelines, 2015. Collection method: clinical testing. Allele origin: germline.

Athena Diagnostics
Classification: Uncertain significance. Last evaluated: 2019-11-06. Review status: criteria provided, single submitter. Criteria: Athena Diagnostics Criteria. Collection method: clinical testing. Allele origin: unknown.

Genome Diagnostics Laboratory, The Hospital for Sick Children
Classification: Uncertain significance for Hereditary spastic paraplegia. Last evaluated: 2019-10-01. Review status: criteria provided, single submitter. Criteria: ACMG Guidelines, 2015. Collection method: clinical testing. Allele origin: germline. Affected: yes.

Fulgent Genetics
Classification: Uncertain significance for Neuropathy, hereditary sensory and autonomic, type 2A; Spastic paraplegia 30A, autosomal dominant; Neuropathy, hereditary sensory, type 2C; Intellectual disability, autosomal dominant 9. Last evaluated: 2018-10-31. Review status: criteria provided, single submitter. Criteria: ACMG Guidelines, 2015. Collection method: clinical testing. Allele origin: unknown.

Clinical Genetics DNA and cytogenetics Diagnostics Lab, Erasmus MC, Erasmus Medical Center
Classification: Uncertain significance. Review status: no assertion criteria provided. Collection method: clinical testing. Allele origin: germline. Affected: yes. Study: VKGL Data-share Consensus. Not counted in ClinVar's aggregate classification.

Clinical Genetics, Academic Medical Center
Classification: Uncertain significance. Review status: no assertion criteria provided. Collection method: clinical testing. Allele origin: germline. Affected: yes. Study: VKGL Data-share Consensus. Not counted in ClinVar's aggregate classification.

Diagnostic Laboratory, Department of Genetics, University Medical Center Groningen
Classification: Uncertain significance. Review status: no assertion criteria provided. Collection method: clinical testing. Allele origin: germline. Affected: yes. Study: VKGL Data-share Consensus. Not counted in ClinVar's aggregate classification.

Literature cited by the submitters: PubMed 31455732 (cited by Victorian Clinical Genetics Services, Murdoch Childrens Research Institute); PubMed 31488895 (cited by Victorian Clinical Genetics Services, Murdoch Childrens Research Institute); PubMed 38041495 (cited by Mayo Clinic Laboratories, Mayo Clinic).